The following is an entry in ClinVar:

NM_002085.5(GPX4):c.85-324G>A

Gene: GPX4 (glutathione peroxidase 4; plus strand). Cytogenetic location: 19p13.3.
Variant type: single nucleotide variant.
Coding change: c.85-324G>A on transcript NM_002085.5 (MANE Select); 324 bases into the intron before coding-DNA position 85, G replaced by A.
Molecular consequence: intron variant. On other transcripts: missense variant (1).
Genome position (GRCh38, 1-based): chr19:1,104,862, G>A. VCF-style: chr19-1104862-G-A. GRCh37 (hg19) VCF-style: chr19-1104861-G-A.
Other names: c.128G>A, p.Arg43Gln (NM_001039848.4); c.85-324G>A (NM_001039847.3); c.4-324G>A (NM_001367832.1); short protein forms R43Q.
Identifiers: ClinVar variation 2072413 (VCV002072413.4), dbSNP rs1422727528, ClinGen allele CA402935138.
Genomic context (GRCh38, chr19:1,104,862, plus strand): 5'-GGCCGCGAGCCCCTCGGCGGCGGAAGGCCCCAGCGTGCAGGCGCAGGAGGGCGCGGCGCC[G>A]GCGGAAGAAGCCCTGTCCCCGCAGCTTGCGACCGGAGATCCACGAATGTCCCAAGTCCCA-3'

ClinVar aggregate classification (germline): Uncertain significance (1 of 4 stars; one submission).

Allele frequency attached by ClinVar (database versions not stated): TOPMed below 0.00001; gnomAD 0.00001.
gnomAD v4.1: 3 of 1,186,658 alleles (0.00025%); highest among the groups gnomAD compares: Non-Finnish European, 0.00032%; no homozygotes.

Submission:

Labcorp Genetics (formerly Invitae), Labcorp
Classification: Uncertain significance. Last evaluated: 2023-08-17. Review status: criteria provided, single submitter. Criteria: Invitae Variant Classification Sherloc (09022015). Collection method: clinical testing. Allele origin: germline.
Comment: In summary, the available evidence is currently insufficient to determine the role of this variant in disease. Therefore, it has been classified as a Variant of Uncertain Significance. Experimental studies and prediction algorithms are not available or were not evaluated, and the functional significance of this variant is currently unknown. ClinVar contains an entry for this variant (Variation ID: 2072413). This variant has not been reported in the literature in individuals affected with GPX4-related conditions. This variant is not present in population databases (gnomAD no frequency). This sequence change replaces arginine, which is basic and polar, with glutamine, which is neutral and polar, at codon 43 of the GPX4 protein (p.Arg43Gln).